The following is an entry in ClinVar:

ClinVar aggregate classification (germline): Likely pathogenic. Review status: criteria provided, multiple submitters, no conflicts (2 of 4 stars). 2 submissions from 2 submitters: Likely pathogenic (2). Last evaluated 2026-05-28.

Conditions:
Hereditary cancer-predisposing syndrome. Also called: Neoplastic Syndromes, Hereditary; Hereditary Cancer Syndrome; Tumor predisposition; Hereditary neoplastic syndrome. Identifiers: Orphanet 140162, MedGen C0027672, MeSH D009386, MONDO:0015356.

Submissions (2):

Ambry Genetics
Classification: Likely pathogenic for Hereditary cancer-predisposing syndrome. Last evaluated: 2026-05-28. Review status: criteria provided, single submitter. Criteria: Ambry Variant Classification Scheme 2023. Collection method: clinical testing. Allele origin: germline.
Comment: The c.1548+3_1548+4delAT intronic variant, located in intron 11 of the APC gene, results from a deletion of two nucleotides within intron 11 of the APC gene. This variant was reported in individual(s) with features consistent with familial adenomatous polyposis (Ambry internal data). This nucleotide position is well conserved in available vertebrate species. In silico splice site analysis predicts that this alteration will weaken the native splice donor site and will result in the creation or strengthening of a novel splice donor site. RNA studies have demonstrated that this variant results in abnormal splicing in the set of samples tested (Ambry internal data). This variant is considered to be rare based on population cohorts in the Genome Aggregation Database (gnomAD). Based on the majority of available evidence to date, this variant is likely to be pathogenic.

GeneDx
Classification: Likely pathogenic. Last evaluated: 2016-05-02. Review status: criteria provided, single submitter. Criteria: GeneDx Variant Classification (06012015). Collection method: clinical testing. Allele origin: germline. Affected: yes.
Comment: This variant is denoted APC c.1548+3_1548+4delAT or IVS12+3_IVS12+4delAT and consists of a deletion of two nucleotides at the +3 to +4 position in intron 12 of the APC gene. The normal sequence with the bases that are deleted in braces is AGgt[at]gttt, where the capital letters are exonic and lowercase are intronic. Multiple in silico models predict that this variant destroys the natural splice donor site for intron 12, resulting in abnormal splicing. However, in the absence of RNA or functional studies, the actual effect of this variant is unknown. This variant was identified in 1/1591 individuals suspected of having Familial Adenomatous Polyposis (Kerr 2013). APC c.1548+3_1548+4delAT was not observed in approximately 6,500 individuals of European and African American ancestry in the NHLBI Exome Sequencing Project, suggesting it is not a common benign variant in these populations. The adenine (A) nucleotide that is altered is conserved through mammals, while the thymine (T) nucleotide is not conserved across species. Based on the currently available evidence, we consider APC c.1548+3_1548+4delAT to be a likely pathogenic variant.

NM_000038.6(APC):c.1548+3_1548+4del

Gene: APC (APC regulator of Wnt signaling pathway; plus strand). Cytogenetic location: 5q22.2.
Variant type: Deletion.
Coding change: c.1548+3_1548+4del on transcript NM_000038.6 (MANE Select); bases 3 to 4 of the intron after coding-DNA position 1548, 2 bases deleted (AT; older notation c.1548+3_1548+4delAT).
Molecular consequence: splice donor variant.
Genome position (GRCh38, 1-based): chr5:112,827,250-112,827,251, AT deleted; deleting any 2 consecutive bases within chr5:112,827,249-112,827,251 gives the same sequence; the c. name uses the placement nearest the transcript's 3' end. VCF-style (leftmost placement, unchanged base first): chr5-112827248-GTA-G. GRCh37 (hg19) VCF-style: chr5-112162945-GTA-G.
Other names: c.1548+3_1548+4del (NM_001354895.2, NM_001127510.3); c.1578+3_1578+4del (NM_001354897.2); c.1275+3_1275+4del (NM_001354902.2); c.1494+3_1494+4del (NM_001127511.3); c.1473+3_1473+4del (NM_001354898.2); c.1170+3_1170+4del (NM_001354904.2); c.699+3_699+4del (NM_001354906.2); c.1602+3_1602+4del (NM_001354896.2); and 6 more.
Identifiers: ClinVar variation 265375 (VCV000265375.3), dbSNP rs886039510, ClinGen allele CA10588381.